The following is an entry in ClinVar:

NM_033118.4(MYLK2):c.667G>A (p.Asp223Asn)

Gene: MYLK2 (myosin light chain kinase 2; plus strand). Cytogenetic location: 20q11.21.
Variant type: single nucleotide variant.
Coding change: c.667G>A on transcript NM_033118.4 (MANE Select); coding-DNA position 667, G replaced by A.
Protein change: p.Asp223Asn; replaces aspartic acid 223 with asparagine.
Molecular consequence: missense variant.
Genome position (GRCh38, 1-based): chr20:31,821,632, G>A. VCF-style: chr20-31821632-G-A. GRCh37 (hg19) VCF-style: chr20-30409435-G-A.
Other names: short protein forms D223N.
Identifiers: ClinVar variation 3915797 (VCV003915797.1).

ClinVar aggregate classification (germline): Uncertain significance (1 of 4 stars; one submission).

Submission:

Ambry Genetics
Classification: Uncertain significance. Last evaluated: 2025-06-07. Review status: criteria provided, single submitter. Criteria: Ambry Variant Classification Scheme 2023. Collection method: clinical testing. Allele origin: germline.
Comment: The p.D223N variant (also known as c.667G>A), located in coding exon 3 of the MYLK2 gene, results from a G to A substitution at nucleotide position 667. The aspartic acid at codon 223 is replaced by asparagine, an amino acid with highly similar properties. This amino acid position is conserved. In addition, this alteration is predicted to be tolerated by in silico analysis. Based on the available evidence, the clinical significance of this variant remains unclear.